The following is an entry in ClinVar:

NM_001004127.3(ALG11):c.1403G>A (p.Arg468His)

Genes: ALG11 (ALG11 alpha-1,2-mannosyltransferase; plus strand), UTP14C (UTP14C small subunit processome component; plus strand). Cytogenetic location: 13q14.3.
Variant type: single nucleotide variant.
Coding change: c.1403G>A on transcript NM_001004127.3 (MANE Select); coding-DNA position 1403, G replaced by A.
Protein change: p.Arg468His; replaces arginine 468 with histidine.
Molecular consequence: missense variant. On other transcripts: non-coding transcript variant (1), 5 prime UTR variant (1).
Genome position (GRCh38, 1-based): chr13:52,028,514, G>A. VCF-style: chr13-52028514-G-A. GRCh37 (hg19) VCF-style: chr13-52602650-G-A.
Other names: c.-291G>A (NM_021645.6); short protein forms R468H.
Identifiers: ClinVar variation 3255371 (VCV003255371.5), dbSNP rs1204420316.

ClinVar aggregate classification (germline): Likely pathogenic. Review status: criteria provided, multiple submitters, no conflicts (2 of 4 stars). 4 submissions from 4 submitters: Likely pathogenic (3). 1 of the submissions does not count toward it. Last evaluated 2026-01-24.

Conditions:
ALG11-congenital disorder of glycosylation. Also called: CONGENITAL DISORDER OF GLYCOSYLATION, TYPE Ip; ALG11-CDG. Identifiers: Orphanet 280071, MedGen C3150913, MONDO:0013349, OMIM 613661.

Allele frequency attached by ClinVar (database versions not stated): TOPMed below 0.00001.
gnomAD v4.1: 15 of 1,614,114 alleles (0.00093%); highest among the groups gnomAD compares: South Asian, 0.0033%; no homozygotes.

Submissions (4):

Genetics and Genomic Medicine Centre, NeuroGen Healthcare, NeuroGen Healthcare
Classification: Likely pathogenic for ALG11-congenital disorder of glycosylation. Last evaluated: 2026-01-24. Review status: criteria provided, single submitter. Criteria: ACMG Guidelines, 2015. Collection method: clinical testing. Allele origin: unknown. Affected: yes.

3billion
Classification: Likely pathogenic for ALG11-congenital disorder of glycosylation. Last evaluated: 2025-06-27. Review status: criteria provided, single submitter. Criteria: ACMG Guidelines, 2015. Collection method: clinical testing. Allele origin: germline. Affected: yes.
Comment: The variant is observed at an extremely low frequency in the gnomAD v4.1.0 dataset (total allele frequency: 0.001%). Predicted Consequence/Location: Missense variant In silico tool predictions suggest damaging effect of the variant on gene or gene product [REVEL: 0.85 (>=0.6, sensitivity 0.68 and specificity 0.92); 3Cnet: 0.01 (> 0.75, sensitivity 0.96 and precision 0.92)]. The same nucleotide change resulting in the same amino acid change has been previously reported as pathogenic/likely pathogenic with strong evidence (ClinVar ID: VCV003255371 /PMID: 34145886). A different missense change at the same codon (p.Arg468Cys) has been reported to be associated with ALG11-related disorder (ClinVar ID: VCV000265035 /PMID: 26633542). Therefore, this variant is classified as Likely pathogenic according to the recommendation of ACMG/AMP guideline.

Genomic Medicine Center of Excellence, King Faisal Specialist Hospital and Research Centre
Classification: Likely pathogenic for ALG11-congenital disorder of glycosylation. Last evaluated: 2024-12-18. Review status: criteria provided, single submitter. Criteria: ACMG Guidelines, 2015. Collection method: clinical testing. Allele origin: germline.

Precision Medical Center, Wuhan Children's Hospital
Classification: Likely pathogenic for ALG11-congenital disorder of glycosylation. Review status: no assertion criteria provided. Collection method: clinical testing, in vitro. Allele origin: germline, not applicable. Inheritance: Autosomal recessive inheritance. Affected: yes. Observed: 1 compound heterozygote. Not counted in ClinVar's aggregate classification.
Comment: c.1403G>A(p.G436V) was classified as likely pathogenic (PM2-supporting+PP3-strong+PP4+PS3- supporting) according to the guidelines from the American College of Medical Genetics and Genomics (ACMG)。 this variant was exceedingly rare, absent in any public population database (i.e., gnomAD, ClinVar, and 1000 Genomes)(PM2-supporting). In silico analysis using multiple software programs (i.e., SIFT, Polyphen2, PROVEAN, MutationTaster, MCAP, REVEL) predicted these variants to be probably damaging to the protein structure (PP3). The genetic diagnosis was further supported by a comprehensive analysis of clinical manifestations and auxiliary examination results, confirming ALG11-CDG in the patient (PP4).

Literature cited by the submitters: PubMed 34145886 (cited by 3billion); PubMed 26633542 (cited by 3billion); PubMed 22213132 (cited by Precision Medical Center, Wuhan Children's Hospital).